The following is an entry in ClinVar:

NM_001040142.2(SCN2A):c.4175G>A (p.Ser1392Asn)

Gene: SCN2A (sodium voltage-gated channel alpha subunit 2; plus strand). Cytogenetic location: 2q24.3.
Variant type: single nucleotide variant.
Coding change: c.4175G>A on transcript NM_001040142.2 (MANE Select); coding-DNA position 4175, G replaced by A.
Protein change: p.Ser1392Asn; replaces serine 1392 with asparagine.
Molecular consequence: missense variant.
Genome position (GRCh38, 1-based): chr2:165,374,887, G>A. VCF-style: chr2-165374887-G-A. GRCh37 (hg19) VCF-style: chr2-166231397-G-A.
Other names: c.4175G>A, p.Ser1392Asn (NM_001040143.2, NM_001371246.1, NM_001371247.1 and 1 more transcripts); short protein forms S1392N.
Identifiers: ClinVar variation 2159355 (VCV002159355.4), dbSNP rs780562485, ClinGen allele CA349031328.
Genomic context (GRCh38, chr2:165,374,887, plus strand): 5'-GAGAGATGTTTGATGTAAGCGTGGTCAACAACTACAGTGAGTGCAAAGCTCTCATTGAGA[G>A]CAATCAAACTGCCAGGTGGAAAAATGTGAAAGTAAACTTTGATAACGTAGGACTTGGATA-3'
Protein context (NP_001035232.1, residues 1382-1402): NYSECKALIE[Ser1392Asn]NQTARWKNVK

ClinVar aggregate classification (germline): Uncertain significance (1 of 4 stars; one submission).

Conditions:
Developmental and epileptic encephalopathy, 11 (DEE11). Also called: Early infantile epileptic encephalopathy 11. Identifiers: Orphanet 1934, MedGen C3150987, MONDO:0013388, OMIM 613721.
Seizures, benign familial infantile, 3 (BFIS3). Also called: Familial neonatal seizures; CONVULSIONS, BENIGN FAMILIAL INFANTILE, 3. Identifiers: Orphanet 140927, Orphanet 306, MedGen C1843140, MONDO:0011904, OMIM 607745.

Allele frequency attached by ClinVar (database versions not stated): TOPMed below 0.00001.

Submission:

Labcorp Genetics (formerly Invitae), Labcorp
Classification: Uncertain significance for Seizures, benign familial infantile, 3; Developmental and epileptic encephalopathy, 11. Last evaluated: 2022-06-11. Review status: criteria provided, single submitter. Criteria: Invitae Variant Classification Sherloc (09022015). Collection method: clinical testing. Allele origin: germline.
Comment: This missense change has been observed in individual(s) with autism spectrum disorder (PMID: 30564305). In summary, the available evidence is currently insufficient to determine the role of this variant in disease. Therefore, it has been classified as a Variant of Uncertain Significance. Algorithms developed to predict the effect of missense changes on protein structure and function output the following: SIFT: "Tolerated"; PolyPhen-2: "Benign"; Align-GVGD: "Class C0". The asparagine amino acid residue is found in multiple mammalian species, which suggests that this missense change does not adversely affect protein function. This variant is not present in population databases (gnomAD no frequency). This sequence change replaces serine, which is neutral and polar, with asparagine, which is neutral and polar, at codon 1392 of the SCN2A protein (p.Ser1392Asn).

Literature cited by the submitters: PubMed 30564305.